The following is an entry in ClinVar:

ClinVar aggregate classification (germline): Uncertain significance (1 of 4 stars; one submission).

Allele frequency attached by ClinVar (database versions not stated): gnomAD exomes 0.00001 and 0.00002; ExAC 0.00003; gnomAD 0.00004; TOPMed 0.00006; ESP Exome Variant Server 0.00008.
gnomAD v4.1: 17 of 1,605,444 alleles (0.0011%); highest among the groups gnomAD compares: African/African-American, 0.0094%; no homozygotes.

Submission:

Labcorp Genetics (formerly Invitae), Labcorp
Classification: Uncertain significance. Last evaluated: 2025-05-23. Review status: criteria provided, single submitter. Criteria: Invitae Variant Classification Sherloc (09022015). Collection method: clinical testing. Allele origin: germline.
Comment: This sequence change affects codon 207 of the TBX6 mRNA. It is a 'silent' change, meaning that it does not change the encoded amino acid sequence of the TBX6 protein. It affects a nucleotide within the consensus splice site. This variant is present in population databases (rs376867751, gnomAD 0.02%). This variant has not been reported in the literature in individuals affected with TBX6-related conditions. ClinVar contains an entry for this variant (Variation ID: 1399993). Algorithms developed to predict the effect of sequence changes on RNA splicing suggest that this variant is not likely to affect RNA splicing. In summary, the available evidence is currently insufficient to determine the role of this variant in disease. Therefore, it has been classified as a Variant of Uncertain Significance.

NM_004608.4(TBX6):c.621C>T (p.His207=)

Gene: TBX6 (T-box transcription factor 6; minus strand). Cytogenetic location: 16p11.2.
Variant type: single nucleotide variant.
Coding change: c.621C>T on transcript NM_004608.4 (MANE Select); coding-DNA position 621, C replaced by T.
Protein change: p.His207=; no amino-acid change (histidine 207 retained).
Molecular consequence: synonymous variant.
Genome position (GRCh38, 1-based): chr16:30,088,943, G>A on the plus strand (C>T on the coding strand, the complement: TBX6 is on the minus strand). VCF-style: chr16-30088943-G-A. GRCh37 (hg19) VCF-style: chr16-30100264-G-A.
Identifiers: ClinVar variation 1399993 (VCV001399993.8), dbSNP rs376867751, ClinGen allele CA8001877.